The following is an entry in ClinVar:

NM_001267550.2(TTN):c.72935_72939del (p.Ser24312fs)

Genes: TTN (titin; minus strand), TTN-AS1 (TTN antisense RNA 1; plus strand). Cytogenetic location: 2q31.2.
Variant type: Deletion.
Coding change: c.72935_72939del on transcript NM_001267550.2 (MANE Select); coding-DNA positions 72935 to 72939, 5 bases deleted (GTCCA; older notation c.72935_72939delGTCCA).
Protein change: p.Ser24312fs; shifts the reading frame from serine 24312.
Molecular consequence: frameshift variant.
Genome position (GRCh38, 1-based): chr2:178,573,193-178,573,197, TGGAC deleted on the plus strand (GTCCA on the coding strand, the reverse complement: TTN is on the minus strand); deleting any 5 consecutive bases within chr2:178,573,193-178,573,200 gives the same sequence; the c. name uses the placement nearest the transcript's 3' end. VCF-style (leftmost placement, unchanged base first): chr2-178573192-ATGGAC-A. GRCh37 (hg19) VCF-style: chr2-179437919-ATGGAC-A.
Other names: c.68012_68016del, p.Ser22671fs (NM_001256850.1); c.45740_45744del, p.Ser15247fs (NM_003319.4); c.65231_65235del, p.Ser21744fs (NM_133378.4); c.46115_46119del, p.Ser15372fs (NM_133432.3); c.46316_46320del, p.Ser15439fs (NM_133437.4); c.68012_68016delGTCCA (NM_001256850.1); short protein forms S15247fs, S15372fs, S15439fs, S21744fs, S22671fs, S24312fs.
Identifiers: ClinVar variation 1179333 (VCV001179333.7), dbSNP rs2154170669, ClinGen allele CA2499215371.

ClinVar aggregate classification (germline): Likely pathogenic. Review status: criteria provided, multiple submitters, no conflicts (2 of 4 stars). 2 submissions from 2 submitters: Likely pathogenic (2). Last evaluated 2023-07-22.

Conditions:
Autosomal recessive limb-girdle muscular dystrophy type 2J (LGMDR10). Also called: Limb-girdle muscular dystrophy, type 2J; MUSCULAR DYSTROPHY, LIMB-GIRDLE, AUTOSOMAL RECESSIVE 10. Identifiers: Orphanet 140922, MedGen C1837342, MONDO:0012127, OMIM 608807.
Dilated cardiomyopathy 1G (CMD1G). Identifiers: Orphanet 154, MedGen C1858763, MONDO:0011400, OMIM 604145.

Submissions (2):

Labcorp Genetics (formerly Invitae), Labcorp
Classification: Likely pathogenic for Dilated cardiomyopathy 1G; Autosomal recessive limb-girdle muscular dystrophy type 2J. Last evaluated: 2023-07-22. Review status: criteria provided, single submitter. Criteria: Invitae Variant Classification Sherloc (09022015). Collection method: clinical testing. Allele origin: germline.
Comment: In summary, the currently available evidence indicates that the variant is pathogenic, but additional data are needed to prove that conclusively. Therefore, this variant has been classified as Likely Pathogenic. This variant is located in the A band of TTN (PMID: 25589632). Truncating variants in this region are significantly overrepresented in patients affected with dilated cardiomyopathy (PMID: 25589632). Truncating variants in this region have also been reported in individuals affected with autosomal recessive centronuclear myopathy (PMID: 23975875). ClinVar contains an entry for this variant (Variation ID: 1179333). This variant has not been reported in the literature in individuals affected with TTN-related conditions. This variant is not present in population databases (gnomAD no frequency). This sequence change creates a premature translational stop signal (p.Ser24312Ilefs*6) in the TTN gene. While this is not anticipated to result in nonsense mediated decay, it is expected to create a truncated TTN protein.

GeneDx
Classification: Likely pathogenic. Last evaluated: 2019-08-12. Review status: criteria provided, single submitter. Criteria: GeneDx Variant Classification Process June 2021. Collection method: clinical testing. Allele origin: germline. Affected: yes.
Comment: Has not been previously published as pathogenic or benign to our knowledge; Not observed in large population cohorts (Lek et al., 2016); Frameshift variant predicted to result in protein truncation or nonsense mediated decay in a gene for which loss-of-function is a known mechanism of disease; Located in the A-band region of titin, where the majority of truncating pathogenic variants associated with DCM have been reported (Herman et al., 2012)

Literature cited by the submitters: PubMed 25589632 (cited by Labcorp Genetics (formerly Invitae), Labcorp); PubMed 23975875 (cited by Labcorp Genetics (formerly Invitae), Labcorp).